The following is an entry in ClinVar:

NM_001384732.1(CPLANE1):c.5441C>A (p.Thr1814Asn)

Gene: CPLANE1 (ciliogenesis and planar polarity effector complex subunit 1; minus strand). Cytogenetic location: 5p13.2.
Variant type: single nucleotide variant.
Coding change: c.5441C>A on transcript NM_001384732.1 (MANE Select); coding-DNA position 5441, C replaced by A.
Protein change: p.Thr1814Asn; replaces threonine 1814 with asparagine.
Molecular consequence: missense variant.
Genome position (GRCh38, 1-based): chr5:37,180,986, G>T on the plus strand (C>A on the coding strand, the complement: CPLANE1 is on the minus strand). VCF-style: chr5-37180986-G-T. GRCh37 (hg19) VCF-style: chr5-37181088-G-T.
Other names: c.5441C>A, p.Thr1814Asn (NM_023073.4); short protein forms T1814N.
Identifiers: ClinVar variation 2120432 (VCV002120432.4), dbSNP rs2547792560, ClinGen allele CA359491232.

ClinVar aggregate classification (germline): Uncertain significance (1 of 4 stars; one submission).

gnomAD v4.1: 1 of 1,613,870 alleles (0.000062%); highest among the groups gnomAD compares: Non-Finnish European, 0.000085%; no homozygotes.

Submission:

Labcorp Genetics (formerly Invitae), Labcorp
Classification: Uncertain significance. Last evaluated: 2022-04-01. Review status: criteria provided, single submitter. Criteria: Invitae Variant Classification Sherloc (09022015). Collection method: clinical testing. Allele origin: germline.
Comment: This variant is not present in population databases (gnomAD no frequency). This sequence change replaces threonine, which is neutral and polar, with asparagine, which is neutral and polar, at codon 1814 of the CPLANE1 protein (p.Thr1814Asn). This variant has not been reported in the literature in individuals affected with CPLANE1-related conditions. In summary, the available evidence is currently insufficient to determine the role of this variant in disease. Therefore, it has been classified as a Variant of Uncertain Significance. Advanced modeling of protein sequence and biophysical properties (such as structural, functional, and spatial information, amino acid conservation, physicochemical variation, residue mobility, and thermodynamic stability) performed at Invitae indicates that this missense variant is not expected to disrupt CPLANE1 protein function.